The following is an entry in ClinVar:

NM_004836.7(EIF2AK3):c.3058C>T (p.Pro1020Ser)

Genes: EIF2AK3-AS1 (EIF2AK3 antisense RNA 1; plus strand), EIF2AK3 (eukaryotic translation initiation factor 2 alpha kinase 3; minus strand). Cytogenetic location: 2p11.2.
Variant type: single nucleotide variant.
Coding change: c.3058C>T on transcript NM_004836.7 (MANE Select); coding-DNA position 3058, C replaced by T.
Protein change: p.Pro1020Ser; replaces proline 1020 with serine.
Molecular consequence: missense variant.
Genome position (GRCh38, 1-based): chr2:88,562,318, G>A on the plus strand (C>T on the coding strand, the complement: EIF2AK3 is on the minus strand). VCF-style: chr2-88562318-G-A. GRCh37 (hg19) VCF-style: chr2-88861836-G-A.
Other names: c.2605C>T, p.Pro869Ser (NM_001313915.2); short protein forms P1020S, P869S.
Identifiers: ClinVar variation 1474583 (VCV001474583.5), dbSNP rs2104387165, ClinGen allele CA347585243.

ClinVar aggregate classification (germline): Uncertain significance (1 of 4 stars; one submission).

Allele frequency attached by ClinVar (database versions not stated): gnomAD exomes below 0.00001.
gnomAD v4.1: 1 of 1,613,780 alleles (0.000062%); highest among the groups gnomAD compares: Non-Finnish European, 0.000085%; no homozygotes.

Submission:

Labcorp Genetics (formerly Invitae), Labcorp
Classification: Uncertain significance. Last evaluated: 2021-08-28. Review status: criteria provided, single submitter. Criteria: Invitae Variant Classification Sherloc (09022015). Collection method: clinical testing. Allele origin: germline.
Comment: This sequence change replaces proline with serine at codon 1020 of the EIF2AK3 protein (p.Pro1020Ser). The proline residue is moderately conserved and there is a moderate physicochemical difference between proline and serine. This variant is not present in population databases (ExAC no frequency). This variant has not been reported in the literature in individuals affected with EIF2AK3-related conditions. Algorithms developed to predict the effect of missense changes on protein structure and function are either unavailable or do not agree on the potential impact of this missense change (SIFT: "Tolerated"; PolyPhen-2: "Possibly Damaging"; Align-GVGD: "Class C0"). In summary, the available evidence is currently insufficient to determine the role of this variant in disease. Therefore, it has been classified as a Variant of Uncertain Significance.